The following is an entry in ClinVar:

NM_001903.5(CTNNA1):c.2011-17T>C

Gene: CTNNA1 (catenin alpha 1; plus strand). Cytogenetic location: 5q31.2.
Variant type: single nucleotide variant.
Coding change: c.2011-17T>C on transcript NM_001903.5 (MANE Select); 17 bases into the intron before coding-DNA position 2011, T replaced by C.
Molecular consequence: intron variant.
Genome position (GRCh38, 1-based): chr5:138,930,456, T>C. VCF-style: chr5-138930456-T-C. GRCh37 (hg19) VCF-style: chr5-138266145-T-C.
Other names: c.2011-17T>C (NM_001323982.2, NM_001323984.2, NM_001290307.3 and 2 more transcripts); c.1918-17T>C (NM_001323986.2); c.1642-17T>C (NM_001290310.3); c.1702-17T>C (NM_001290309.3); c.901-17T>C (NM_001323996.1, NM_001323993.1, NM_001324005.1 and 17 more transcripts); c.562-17T>C (NM_001324007.1, NM_001324009.1, NM_001324006.1 and 2 more transcripts); c.658-17T>C (NM_001324013.1, NM_001324012.1); c.808-17T>C (NM_001324011.1).
Identifiers: ClinVar variation 3773346 (VCV003773346.1).

ClinVar aggregate classification (germline): Likely benign (1 of 4 stars; one submission).

Conditions:
Hereditary diffuse gastric adenocarcinoma (HDGC). Also called: DIFFUSE GASTRIC AND LOBULAR BREAST CANCER SYNDROME. Identifiers: Orphanet 26106, MedGen C1708349, MONDO:0007648, OMIM 137215.

gnomAD v4.1: 2 of 1,592,468 alleles (0.00013%); highest among the groups gnomAD compares: Non-Finnish European, 0.00017%; no homozygotes.

Submission:

Myriad Genetics, Inc.
Classification: Likely benign for Hereditary diffuse gastric adenocarcinoma. Last evaluated: 2024-10-14. Review status: criteria provided, single submitter. Criteria: Myriad Autosomal Dominant, Autosomal Recessive and X-Linked Classification Criteria (2023). Collection method: clinical testing. Allele origin: unknown.
Comment: This variant is considered likely benign. This variant is intronic and is not expected to impact mRNA splicing.